The following is an entry in ClinVar:

NM_001384140.1(PCDH15):c.2696T>G (p.Phe899Cys)

Gene: PCDH15 (protocadherin related 15; minus strand). Cytogenetic location: 10q21.1.
Variant type: single nucleotide variant.
Coding change: c.2696T>G on transcript NM_001384140.1 (MANE Select); coding-DNA position 2696, T replaced by G.
Protein change: p.Phe899Cys; replaces phenylalanine 899 with cysteine.
Molecular consequence: missense variant.
Genome position (GRCh38, 1-based): chr10:54,020,247, A>C on the plus strand (T>G on the coding strand, the complement: PCDH15 is on the minus strand). VCF-style: chr10-54020247-A-C. GRCh37 (hg19) VCF-style: chr10-55780007-A-C.
Other names: c.2711T>G, p.Phe904Cys (NM_001142763.2, NM_001142771.2); c.2696T>G, p.Phe899Cys (NM_001142764.2, NM_001142766.2, NM_001142770.3 and 5 more transcripts); c.2483T>G, p.Phe828Cys (NM_001142765.2); c.2585T>G, p.Phe862Cys (NM_001142767.2); c.2630T>G, p.Phe877Cys (NM_001142768.2, NM_001142773.2, NM_001354404.2); c.2732T>G, p.Phe911Cys (NM_001142769.4); c.2717T>G, p.Phe906Cys (NM_001354411.2); short protein forms F906C, F862C, F877C, F911C, F828C, F899C, F904C.
Identifiers: ClinVar variation 1044463 (VCV001044463.9), dbSNP rs958092001, ClinGen allele CA207198443.

ClinVar aggregate classification (germline): Uncertain significance. Review status: criteria provided, multiple submitters, no conflicts (2 of 4 stars). 3 submissions from 3 submitters: Uncertain significance (2). 1 of the submissions does not count toward it. Last evaluated 2025-06-03.

Conditions:
Usher syndrome type 1F (USH1F). Also called: USHER SYNDROME, TYPE IF. Identifiers: Orphanet 231169, Orphanet 886, MedGen C1865885, MONDO:0011186, OMIM 602083.
Inborn genetic diseases. Identifiers: MedGen C0950123, MeSH D030342.

Allele frequency attached by ClinVar (database versions not stated): gnomAD exomes below 0.00001 and 0.00001; gnomAD 0.00001.
gnomAD v4.1: 12 of 1,613,662 alleles (0.00074%); highest among the groups gnomAD compares: Non-Finnish European, 0.001%; no homozygotes.

Submissions (3):

Ambry Genetics
Classification: Uncertain significance for Inborn genetic diseases. Last evaluated: 2025-06-03. Review status: criteria provided, single submitter. Criteria: Ambry Variant Classification Scheme 2023. Collection method: clinical testing. Allele origin: germline.

Labcorp Genetics (formerly Invitae), Labcorp
Classification: Uncertain significance. Last evaluated: 2025-04-21. Review status: criteria provided, single submitter. Criteria: Invitae Variant Classification Sherloc (09022015). Collection method: clinical testing. Allele origin: germline.
Comment: This sequence change replaces phenylalanine, which is neutral and non-polar, with cysteine, which is neutral and slightly polar, at codon 899 of the PCDH15 protein (p.Phe899Cys). This variant is present in population databases (no rsID available, gnomAD 0.004%). This variant has not been reported in the literature in individuals affected with PCDH15-related conditions. ClinVar contains an entry for this variant (Variation ID: 1044463). Invitae Evidence Modeling of protein sequence and biophysical properties (such as structural, functional, and spatial information, amino acid conservation, physicochemical variation, residue mobility, and thermodynamic stability) indicates that this missense variant is not expected to disrupt PCDH15 protein function with a negative predictive value of 95%. In summary, the available evidence is currently insufficient to determine the role of this variant in disease. Therefore, it has been classified as a Variant of Uncertain Significance.

Natera, Inc.
Classification: Uncertain significance for Usher syndrome type 1F. Last evaluated: 2025-03-06. Review status: no assertion criteria provided. Collection method: clinical testing. Allele origin: germline. Not counted in ClinVar's aggregate classification.